The following is an entry in ClinVar:

ClinVar aggregate classification (germline): Pathogenic. Review status: criteria provided, multiple submitters, no conflicts (2 of 4 stars). 5 submissions from 5 submitters: Pathogenic (5). Last evaluated 2026-03-10.

Conditions:
NF1-related disorder. Also called: NF1-related condition. Identifiers: MedGen CN379171.
Hereditary cancer-predisposing syndrome. Also called: Hereditary neoplastic syndrome; Hereditary Cancer Syndrome; Neoplastic Syndromes, Hereditary; Tumor predisposition. Identifiers: Orphanet 140162, MedGen C0027672, MeSH D009386, MONDO:0015356.
Cardiovascular phenotype. Identifiers: MedGen CN230736.
Neurofibromatosis, type 1 (NF1). Also called: Peripheral type neurofibromatosis; Neurofibromatosis, type I; VON RECKLINGHAUSEN DISEASE; NEUROFIBROMATOSIS, TYPE I, SOMATIC. Identifiers: Orphanet 636, MedGen C0027831, MONDO:0018975, OMIM 162200. Disease mechanism: loss of function.

Allele frequency attached by ClinVar (database versions not stated): gnomAD exomes below 0.00001.
gnomAD v4.1: 1 of 1,613,594 alleles (0.000062%); highest among the groups gnomAD compares: Non-Finnish European, 0.000085%; no homozygotes.

Submissions (5):

PreventionGenetics, part of Exact Sciences
Classification: Pathogenic for NF1-related condition. Last evaluated: 2026-03-10. Review status: criteria provided, single submitter. Criteria: ACMG Guidelines, 2015. Collection method: clinical testing. Allele origin: germline.
Comment: The NF1 c.7591C>T variant is predicted to result in premature protein termination (p.Gln2531*). This variant, also known as c.7528C>T (p.Gln2510*) on the clinically relevant transcript (NM_000267) has been reported in individuals with neurofibromatosis 1 (Hutter et al. 2016. PubMed ID: 26969325; Frayling. 2019. PubMed ID: 30530636; Sabbagh et al. 2013. PubMed ID: 23913538). This variant has not been reported in a large population database (gnomAD), indicating this variant is rare. It is classified as pathogenic in ClinVar (Variation ID: 527484). Nonsense variants in NF1 are expected to be pathogenic. This variant is interpreted as pathogenic.

Labcorp Genetics (formerly Invitae), Labcorp
Classification: Pathogenic for Neurofibromatosis, type 1. Last evaluated: 2025-10-11. Review status: criteria provided, single submitter. Criteria: Invitae Variant Classification Sherloc (09022015). Collection method: clinical testing. Allele origin: germline.
Comment: This sequence change creates a premature translational stop signal (p.Gln2510*) in the NF1 gene. It is expected to result in an absent or disrupted protein product. Loss-of-function variants in NF1 are known to be pathogenic (PMID: 10712197, 23913538). This variant is not present in population databases (gnomAD no frequency). This premature translational stop signal has been observed in individual(s) with neurofibromatosis type 1 (PMID: 23913538, 26969325). Invitae Evidence Modeling of clinical and family history, age, sex, and reported ancestry of multiple individuals with this NF1 variant has been performed. This variant is expected to be pathogenic with a positive predictive value of at least 99%. This is a validated machine learning model that incorporates the clinical features of 1,785,918 individuals referred to our laboratory for NF1 testing. ClinVar contains an entry for this variant (Variation ID: 527484). For these reasons, this variant has been classified as Pathogenic.

Blueprint Genetics
Classification: Pathogenic for NF1-related disorders. Last evaluated: 2023-11-23. Review status: criteria provided, single submitter. Criteria: ACMG Guidelines, 2015. Collection method: clinical testing. Allele origin: germline. Affected: yes. Observed: 1 variant allele.

Ambry Genetics
Classification: Pathogenic for Cardiovascular phenotype; Hereditary cancer-predisposing syndrome. Last evaluated: 2023-11-14. Review status: criteria provided, single submitter. Criteria: Ambry Variant Classification Scheme 2023. Collection method: clinical testing. Allele origin: germline.
Comment: The p.Q2510* pathogenic mutation (also known as c.7528C>T), located in coding exon 50 of the NF1 gene, results from a C to T substitution at nucleotide position 7528. This changes the amino acid from a glutamine to a stop codon within coding exon 50. This alteration has been observed in at least one individual with a personal and/or family history that is consistent with NF1-related disease (Ambry internal data; Zhou CY et al. Zhonghua Yi Xue Yi Chuan Xue Za Zhi, 2012 Oct;29:529-32; Sabbagh A et al. Hum Mutat, 2013 Nov;34:1510-8; Hutter S et al. Hum Genet, 2016 May;135:469-475; Frayling IM et al. J Med Genet, 2019 Apr;56:209-21; Kang E et al. J Hum Genet, 2020 Jan;65:79-89). This variant is considered to be rare based on population cohorts in the Genome Aggregation Database (gnomAD). This alteration is expected to result in loss of function by premature protein truncation or nonsense-mediated mRNA decay. As such, this alteration is interpreted as a disease-causing mutation.

GeneDx
Classification: Pathogenic. Last evaluated: 2022-08-11. Review status: criteria provided, single submitter. Criteria: GeneDx Variant Classification Process June 2021. Collection method: clinical testing. Allele origin: germline. Affected: yes.
Comment: Nonsense variant predicted to result in protein truncation or nonsense mediated decay in a gene for which loss of function is a known mechanism of disease; Not observed at significant frequency in large population cohorts (gnomAD); This variant is associated with the following publications: (PMID: 23042387, 23913538, 31776437, 30530636, 26969325)

Literature cited by the submitters: PubMed 10712197 (cited by Labcorp Genetics (formerly Invitae), Labcorp); PubMed 23913538 (cited by Labcorp Genetics (formerly Invitae), Labcorp); PubMed 26969325 (cited by Labcorp Genetics (formerly Invitae), Labcorp).

NM_001042492.3(NF1):c.7591C>T (p.Gln2531Ter)

Gene: NF1 (neurofibromin 1; plus strand). Cytogenetic location: 17q11.2.
Variant type: single nucleotide variant.
Coding change: c.7591C>T on transcript NM_001042492.3 (MANE Select); coding-DNA position 7591, C replaced by T.
Protein change: p.Gln2531Ter; replaces glutamine 2531 with a stop codon.
Molecular consequence: nonsense.
Genome position (GRCh38, 1-based): chr17:31,352,390, C>T. VCF-style: chr17-31352390-C-T. GRCh37 (hg19) VCF-style: chr17-29679408-C-T.
Other names: c.7528C>T, p.Gln2510Ter (NM_000267.4); short protein forms Q2510*, Q2531*.
Identifiers: ClinVar variation 527484 (VCV000527484.9), dbSNP rs1555536372, ClinGen allele CA399017811.